The following is an entry in ClinVar:

ClinVar aggregate classification (germline): Uncertain significance (1 of 4 stars; one submission).

Submission:

Labcorp Genetics (formerly Invitae), Labcorp
Classification: Uncertain significance. Last evaluated: 2023-12-02. Review status: criteria provided, single submitter. Criteria: Invitae Variant Classification Sherloc (09022015). Collection method: clinical testing. Allele origin: germline.
Comment: This sequence change creates a premature translational stop signal (p.Leu97*) in the ACOX2 gene. It is expected to result in an absent or disrupted protein product. However, the current clinical and genetic evidence is not sufficient to establish whether loss-of-function variants in ACOX2 cause disease. This variant is not present in population databases (gnomAD no frequency). This variant has not been reported in the literature in individuals affected with ACOX2-related conditions. Algorithms developed to predict the effect of sequence changes on RNA splicing suggest that this variant may disrupt the consensus splice site. In summary, the available evidence is currently insufficient to determine the role of this variant in disease. Therefore, it has been classified as a Variant of Uncertain Significance.

NM_003500.4(ACOX2):c.290T>G (p.Leu97Ter)

Gene: ACOX2 (acyl-CoA oxidase 2; minus strand). Cytogenetic location: 3p14.3.
Variant type: single nucleotide variant.
Coding change: c.290T>G on transcript NM_003500.4 (MANE Select); coding-DNA position 290, T replaced by G.
Protein change: p.Leu97Ter; replaces leucine 97 with a stop codon.
Molecular consequence: nonsense.
Genome position (GRCh38, 1-based): chr3:58,534,393, A>C on the plus strand (T>G on the coding strand, the complement: ACOX2 is on the minus strand). VCF-style: chr3-58534393-A-C. GRCh37 (hg19) VCF-style: chr3-58520120-A-C.
Other names: short protein forms L97*.
Identifiers: ClinVar variation 2695972 (VCV002695972.3), dbSNP rs2471481738, ClinGen allele CA353373016.
Genomic context (GRCh38, chr3:58,534,393, plus strand): 5'-TAGTGGGGCTGCTCGAGGAGTGAGCACCTGTAAGCGTAGCCTAATTCACGACCATCTTCT[A>C]ACCAACCCAGGCGCCGAGCTATCAACCGGATGTGGAATGCCCTCCGCATGGCAGCCTTAT-3'